The following is an entry in ClinVar:

NM_001128178.3(NPHP1):c.1528A>T (p.Ser510Cys)

Gene: NPHP1 (nephrocystin 1; minus strand). Cytogenetic location: 2q13.
Variant type: single nucleotide variant.
Coding change: c.1528A>T on transcript NM_001128178.3 (MANE Select); coding-DNA position 1528, A replaced by T.
Protein change: p.Ser510Cys; replaces serine 510 with cysteine.
Molecular consequence: missense variant.
Genome position (GRCh38, 1-based): chr2:110,143,543, T>A on the plus strand (A>T on the coding strand, the complement: NPHP1 is on the minus strand). VCF-style: chr2-110143543-T-A. GRCh37 (hg19) VCF-style: chr2-110901120-T-A.
Other names: c.1696A>T, p.Ser566Cys (NM_000272.5); c.1339A>T, p.Ser447Cys (NM_001128179.3); c.1525A>T, p.Ser509Cys (NM_001374256.1); c.1528A>T, p.Ser510Cys (NM_001374257.1); c.1693A>T, p.Ser565Cys (NM_207181.4); short protein forms S510C, S565C, S509C, S566C, S447C.
Identifiers: ClinVar variation 942778 (VCV000942778.9), dbSNP rs995292402, ClinGen allele CA53533929.

ClinVar aggregate classification (germline): Uncertain significance. Review status: criteria provided, multiple submitters, no conflicts (2 of 4 stars). 3 submissions from 3 submitters: Uncertain significance (3). Last evaluated 2026-06-27.

Conditions:
Inborn genetic diseases. Identifiers: MedGen C0950123, MeSH D030342.
NPHP1-related disorder. Also called: NPHP1-related disorders; NPHP1-related condition.
Nephronophthisis. Also called: Juvenile Nephronophthisis. Identifiers: Orphanet 655, MedGen C0687120, MONDO:0019005, HP:0000090.

Allele frequency attached by ClinVar (database versions not stated): TOPMed below 0.00001; gnomAD exomes 0.00002.
gnomAD v4.1: 25 of 1,606,436 alleles (0.0016%); highest among the groups gnomAD compares: Non-Finnish European, 0.002%; no homozygotes.

Submissions (3):

PreventionGenetics, part of Exact Sciences
Classification: Uncertain significance for NPHP1-related condition. Last evaluated: 2026-06-27. Review status: criteria provided, single submitter. Criteria: ACMG Guidelines, 2015. Collection method: clinical testing. Allele origin: germline.
Comment: The NPHP1 c.1696A>T variant is predicted to result in the amino acid substitution p.Ser566Cys. To our knowledge, this variant has not been reported in the literature or in a large population database (gnomAD), indicating this variant is rare. At this time, the clinical significance of this variant is uncertain due to the absence of conclusive functional and genetic evidence.

Ambry Genetics
Classification: Uncertain significance for Inborn genetic diseases. Last evaluated: 2024-11-13. Review status: criteria provided, single submitter. Criteria: Ambry Variant Classification Scheme 2023. Collection method: clinical testing. Allele origin: germline.

Labcorp Genetics (formerly Invitae), Labcorp
Classification: Uncertain significance for Nephronophthisis. Last evaluated: 2021-08-28. Review status: criteria provided, single submitter. Criteria: Invitae Variant Classification Sherloc (09022015). Collection method: clinical testing. Allele origin: germline.
Comment: This sequence change replaces serine with cysteine at codon 566 of the NPHP1 protein (p.Ser566Cys). The serine residue is moderately conserved and there is a moderate physicochemical difference between serine and cysteine. This variant is not present in population databases (ExAC no frequency). This variant has not been reported in the literature in individuals affected with NPHP1-related conditions. Algorithms developed to predict the effect of missense changes on protein structure and function are either unavailable or do not agree on the potential impact of this missense change (SIFT: "Deleterious"; PolyPhen-2: "Probably Damaging"; Align-GVGD: "Class C0"). Algorithms developed to predict the effect of sequence changes on RNA splicing suggest that this variant may disrupt the consensus splice site. In summary, the available evidence is currently insufficient to determine the role of this variant in disease. Therefore, it has been classified as a Variant of Uncertain Significance.